The following is an entry in ClinVar:

NM_003254.3(TIMP1):c.328+51C>T

Genes: SYN1 (synapsin I; minus strand), TIMP1 (TIMP metallopeptidase inhibitor 1; plus strand). Cytogenetic location: Xp11.3.
Variant type: single nucleotide variant.
Coding change: c.328+51C>T on transcript NM_003254.3 (MANE Select); 51 bases into the intron after coding-DNA position 328, C replaced by T.
Molecular consequence: intron variant.
Genome position (GRCh38, 1-based): chrX:47,585,382, C>T. VCF-style: chrX-47585382-C-T. GRCh37 (hg19) VCF-style: chrX-47444781-C-T.
Other names: c.775-7881G>A (NM_133499.2, NM_006950.3).
Identifiers: ClinVar variation 4084194 (VCV004084194.8).

ClinVar aggregate classification (germline): Likely benign (1 of 4 stars; one submission).

gnomAD v4.1: 274 of 1,204,905 alleles (0.023%); highest among the groups gnomAD compares: Middle Eastern, 0.12%; no homozygotes.

Submission:

CeGaT Center for Human Genetics Tuebingen
Classification: Likely benign. Last evaluated: 2025-08-01. Review status: criteria provided, single submitter. Criteria: CeGaT Center For Human Genetics Tuebingen Variant Classification Criteria Version 2. Collection method: clinical testing. Allele origin: germline. Affected: yes. Observed: 1 variant allele.
Comment: TIMP1: BP4, BS2